The following is an entry in ClinVar:

NM_018972.4(GDAP1):c.839A>C (p.Tyr280Ser)

Gene: GDAP1 (ganglioside induced differentiation associated protein 1; plus strand). Cytogenetic location: 8q21.11.
Variant type: single nucleotide variant.
Coding change: c.839A>C on transcript NM_018972.4 (MANE Select); coding-DNA position 839, A replaced by C.
Protein change: p.Tyr280Ser; replaces tyrosine 280 with serine.
Molecular consequence: missense variant. On other transcripts: intron variant (1).
Genome position (GRCh38, 1-based): chr8:74,364,129, A>C. VCF-style: chr8-74364129-A-C. GRCh37 (hg19) VCF-style: chr8-75276364-A-C.
Other names: c.635A>C, p.Tyr212Ser (NM_001040875.4); c.512A>C, p.Tyr171Ser (NM_001362929.2, NM_001362932.2); c.665A>C, p.Tyr222Ser (NM_001362930.2); c.694+1076A>C (NM_001362931.2); short protein forms Y171S, Y212S, Y222S, Y280S.
Identifiers: ClinVar variation 661259 (VCV000661259.10), dbSNP rs1417699318, ClinGen allele CA371550366.

ClinVar aggregate classification (germline): Pathogenic (1 of 4 stars; one submission).

Conditions:
Charcot-Marie-Tooth disease type 4A. Also called: Charcot-Marie-Tooth disease, demyelinating, autosomal recessive, type 4a. Identifiers: Orphanet 99948, MedGen C1859198, MONDO:0008961, OMIM 214400.

Allele frequency attached by ClinVar (database versions not stated): TOPMed 0.00001.

Submission:

Labcorp Genetics (formerly Invitae), Labcorp
Classification: Pathogenic for Charcot-Marie-Tooth disease type 4A. Last evaluated: 2023-11-21. Review status: criteria provided, single submitter. Criteria: Invitae Variant Classification Sherloc (09022015). Collection method: clinical testing. Allele origin: germline.
Comment: This sequence change replaces tyrosine, which is neutral and polar, with serine, which is neutral and polar, at codon 280 of the GDAP1 protein (p.Tyr280Ser). This variant is not present in population databases (gnomAD no frequency). This missense change has been observed in individuals with clinical features of autosomal recessive Charcot-Marie-Tooth disease (Invitae). ClinVar contains an entry for this variant (Variation ID: 661259). An algorithm developed to predict the effect of missense changes on protein structure and function (PolyPhen-2) suggests that this variant is likely to be disruptive. For these reasons, this variant has been classified as Pathogenic.